The following is an entry in ClinVar:

ClinVar aggregate classification (germline): Uncertain significance (1 of 4 stars; one submission).

Conditions:
Hereditary cancer-predisposing syndrome. Also called: Hereditary Cancer Syndrome; Hereditary neoplastic syndrome; Neoplastic Syndromes, Hereditary; Tumor predisposition. Identifiers: Orphanet 140162, MedGen C0027672, MeSH D009386, MONDO:0015356.

Submission:

Ambry Genetics
Classification: Uncertain significance for Hereditary cancer-predisposing syndrome. Last evaluated: 2022-01-25. Review status: criteria provided, single submitter. Criteria: Ambry Variant Classification Scheme 2023. Collection method: clinical testing. Allele origin: germline.
Comment: The p.G448R variant (also known as c.1342G>A), located in coding exon 4 of the MSH6 gene, results from a G to A substitution at nucleotide position 1342. The glycine at codon 448 is replaced by arginine, an amino acid with dissimilar properties. This amino acid position is well conserved in available vertebrate species. In addition, this alteration is predicted to be deleterious by in silico analysis. Since supporting evidence is limited at this time, the clinical significance of this alteration remains unclear.

NM_000179.3(MSH6):c.1342G>A (p.Gly448Arg)

Gene: MSH6 (mutS homolog 6; plus strand). Cytogenetic location: 2p16.3.
Variant type: single nucleotide variant.
Coding change: c.1342G>A on transcript NM_000179.3 (MANE Select); coding-DNA position 1342, G replaced by A.
Protein change: p.Gly448Arg; replaces glycine 448 with arginine.
Molecular consequence: missense variant.
Genome position (GRCh38, 1-based): chr2:47,799,325, G>A. VCF-style: chr2-47799325-G-A. GRCh37 (hg19) VCF-style: chr2-48026464-G-A.
Other names: c.1045G>A, p.Gly349Arg (NM_001406797.1, NM_001406801.1, NM_001406805.1 and 10 more transcripts); c.1342G>A, p.Gly448Arg (NM_001406798.1, NM_001406796.1, NM_001406800.1 and 4 more transcripts); c.952G>A, p.Gly318Arg (NM_001281492.2); c.436G>A, p.Gly146Arg (NM_001281493.2, NM_001281494.2, NM_001406811.1 and 6 more transcripts); c.1438G>A, p.Gly480Arg (NM_001406795.1, NM_001406802.1); c.817G>A, p.Gly273Arg (NM_001406799.1, NM_001406806.1, NM_001406807.1); c.1264G>A, p.Gly422Arg (NM_001406804.1); c.1348G>A, p.Gly450Arg (NM_001406813.1); and 1 more; short protein forms G448R, G480R, G146R, G273R, G349R, G392R, G422R, G318R.
Identifiers: ClinVar variation 1770396 (VCV001770396.2), dbSNP rs779123278, ClinGen allele CA346744592.